The following is an entry in ClinVar:

ClinVar aggregate classification (germline): Uncertain significance. Review status: criteria provided, multiple submitters, no conflicts (2 of 4 stars). 2 submissions from 2 submitters: Uncertain significance (2). Last evaluated 2025-12-15.

Conditions:
PTCH2-related disorder. Also called: PTCH2-related condition; PTCH2-related disease.
Gorlin syndrome. Also called: Nevoid Basal Cell Carcinoma Syndrome; Basal cell nevus syndrome. Identifiers: Orphanet 377, MedGen C0004779, MONDO:0007187.

Allele frequency attached by ClinVar (database versions not stated): TOPMed 0.00002; gnomAD 0.00003; gnomAD exomes 0.00003; 1000 Genomes Project 30x 0.00016; 1000 Genomes Project 0.00020.
gnomAD v4.1: 15 of 1,614,202 alleles (0.00093%); highest among the groups gnomAD compares: Admixed American, 0.023%; no homozygotes.

Submissions (2):

Labcorp Genetics (formerly Invitae), Labcorp
Classification: Uncertain significance for Gorlin syndrome. Last evaluated: 2025-12-15. Review status: criteria provided, single submitter. Criteria: Invitae Variant Classification Sherloc (09022015). Collection method: clinical testing. Allele origin: germline.
Comment: This sequence change replaces glutamic acid, which is acidic and polar, with glutamine, which is neutral and polar, at codon 346 of the PTCH2 protein (p.Glu346Gln). This variant is present in population databases (rs11573578, gnomAD 0.02%). This variant has not been reported in the literature in individuals affected with PTCH2-related conditions. ClinVar contains an entry for this variant (Variation ID: 862256). Invitae Evidence Modeling of protein sequence and biophysical properties (such as structural, functional, and spatial information, amino acid conservation, physicochemical variation, residue mobility, and thermodynamic stability) indicates that this missense variant is not expected to disrupt PTCH2 protein function with a negative predictive value of 80%. In summary, the available evidence is currently insufficient to determine the role of this variant in disease. Therefore, it has been classified as a Variant of Uncertain Significance.

PreventionGenetics, part of Exact Sciences
Classification: Uncertain significance for PTCH2-related condition. Last evaluated: 2025-01-16. Review status: criteria provided, single submitter. Criteria: ACMG Guidelines, 2015. Collection method: clinical testing. Allele origin: germline.
Comment: The PTCH2 c.1036G>C variant is predicted to result in the amino acid substitution p.Glu346Gln. To our knowledge, this variant has not been reported in the literature. This variant is reported in 0.020% of alleles in individuals of Latino descent in gnomAD. At this time, the clinical significance of this variant is uncertain due to the absence of conclusive functional and genetic evidence.

NM_003738.5(PTCH2):c.1036G>C (p.Glu346Gln)

Gene: PTCH2 (patched 2; minus strand). Cytogenetic location: 1p34.1.
Variant type: single nucleotide variant.
Coding change: c.1036G>C on transcript NM_003738.5 (MANE Select); coding-DNA position 1036, G replaced by C.
Protein change: p.Glu346Gln; replaces glutamic acid 346 with glutamine.
Molecular consequence: missense variant.
Genome position (GRCh38, 1-based): chr1:44,829,661, C>G on the plus strand (G>C on the coding strand, the complement: PTCH2 is on the minus strand). VCF-style: chr1-44829661-C-G. GRCh37 (hg19) VCF-style: chr1-45295333-C-G.
Other names: c.1036G>C, p.Glu346Gln (NM_001166292.2); short protein forms E346Q.
Identifiers: ClinVar variation 862256 (VCV000862256.10), dbSNP rs11573578, ClinGen allele CA21747585.